The following is an entry in ClinVar:

ClinVar aggregate classification (germline): Likely benign (1 of 4 stars; one submission).

Allele frequency attached by ClinVar (database versions not stated): 1000 Genomes Project 0.00080; ExAC 0.00085; gnomAD 0.00120.

Submission:

CeGaT Center for Human Genetics Tuebingen
Classification: Likely benign. Last evaluated: 2022-04-01. Review status: criteria provided, single submitter. Criteria: CeGaT Center For Human Genetics Tuebingen Variant Classification Criteria Version 2. Collection method: clinical testing. Allele origin: germline. Affected: yes. Observed: 1 variant allele.
Comment: PHGR1: BP4

NM_001145643.2(PHGR1):c.130G>A (p.Gly44Arg)

Gene: PHGR1 (proline, histidine and glycine rich 1; plus strand). Cytogenetic location: 15q15.1.
Variant type: single nucleotide variant.
Coding change: c.130G>A on transcript NM_001145643.2 (MANE Select); coding-DNA position 130, G replaced by A.
Protein change: p.Gly44Arg; replaces glycine 44 with arginine.
Molecular consequence: missense variant.
Genome position (GRCh38, 1-based): chr15:40,356,184, G>A. VCF-style: chr15-40356184-G-A. GRCh37 (hg19) VCF-style: chr15-40648385-G-A.
Other names: short protein forms G44R.
Identifiers: ClinVar variation 2645166 (VCV002645166.24), dbSNP rs190680696, ClinGen allele CA7479008.